The following is an entry in ClinVar:

ClinVar aggregate classification (germline): Uncertain significance. Review status: criteria provided, multiple submitters, no conflicts (2 of 4 stars). 4 submissions from 4 submitters: Uncertain significance (4). Last evaluated 2023-12-06.

Conditions:
Congenital myasthenic syndrome 8. Also called: MYASTHENIC SYNDROME, CONGENITAL, DUE TO AGRIN DEFICIENCY; Myasthenic syndrome, congenital, 8, with pre- and postsynaptic defects. Identifiers: Orphanet 590, MedGen C3808739, MONDO:0014052, OMIM 615120.

Allele frequency attached by ClinVar (database versions not stated): gnomAD exomes 0.00005 and 0.00006; ExAC 0.00007; ESP Exome Variant Server 0.00008; gnomAD 0.00013 and 0.00015; 1000 Genomes Project 30x 0.00016; 1000 Genomes Project 0.00020; TOPMed 0.00021.
gnomAD v4.1: 123 of 1,612,930 alleles (0.0076%); highest among the groups gnomAD compares: African/African-American, 0.048%; no homozygotes.

Submissions (4):

Labcorp Genetics (formerly Invitae), Labcorp
Classification: Uncertain significance for Congenital myasthenic syndrome 8. Last evaluated: 2023-12-06. Review status: criteria provided, single submitter. Criteria: Invitae Variant Classification Sherloc (09022015). Collection method: clinical testing. Allele origin: germline.
Comment: This sequence change replaces aspartic acid, which is acidic and polar, with asparagine, which is neutral and polar, at codon 839 of the AGRN protein (p.Asp839Asn). This variant is present in population databases (rs148315419, gnomAD 0.03%). This variant has not been reported in the literature in individuals affected with AGRN-related conditions. ClinVar contains an entry for this variant (Variation ID: 857129). An algorithm developed to predict the effect of missense changes on protein structure and function (PolyPhen-2) suggests that this variant is likely to be disruptive. In summary, the available evidence is currently insufficient to determine the role of this variant in disease. Therefore, it has been classified as a Variant of Uncertain Significance.

GeneDx
Classification: Uncertain significance. Last evaluated: 2023-05-09. Review status: criteria provided, single submitter. Criteria: GeneDx Variant Classification Process June 2021. Collection method: clinical testing. Allele origin: germline. Affected: yes.
Comment: In silico analysis supports that this missense variant has a deleterious effect on protein structure/function; Has not been previously published as pathogenic or benign to our knowledge

Fulgent Genetics
Classification: Uncertain significance for Congenital myasthenic syndrome 8. Last evaluated: 2021-08-17. Review status: criteria provided, single submitter. Criteria: ACMG Guidelines, 2015. Collection method: clinical testing. Allele origin: unknown.

Breakthrough Genomics
Classification: Uncertain significance. Review status: criteria provided, single submitter. Criteria: ACMG Guidelines, 2015. Collection method: not provided. Allele origin: germline. Inheritance: Autosomal recessive inheritance. Affected: yes.

NM_198576.4(AGRN):c.2515G>A (p.Asp839Asn)

Gene: AGRN (agrin; plus strand). Cytogenetic location: 1p36.33.
Variant type: single nucleotide variant.
Coding change: c.2515G>A on transcript NM_198576.4 (MANE Select); coding-DNA position 2515, G replaced by A.
Protein change: p.Asp839Asn; replaces aspartic acid 839 with asparagine.
Molecular consequence: missense variant.
Genome position (GRCh38, 1-based): chr1:1,045,502, G>A. VCF-style: chr1-1045502-G-A. GRCh37 (hg19) VCF-style: chr1-980882-G-A.
Other names: c.2515G>A, p.Asp839Asn (NM_001305275.2); c.2200G>A, p.Asp734Asn (NM_001364727.2); short protein forms D734N, D839N.
Identifiers: ClinVar variation 857129 (VCV000857129.17), dbSNP rs148315419, ClinGen allele CA508655.
Genomic context (GRCh38, chr1:1,045,502, plus strand): 5'-GGGGGCCTCAGGTGTGACCGCTGTGAGCCTGGCTTCTGGAACTTTCGAGGCATCGTCACC[G>A]ATGGCCGGAGTGGCTGTACACGTGAGTGACAGGGCCCAGGACTGGCCACCGGCTATGCCC-3'
Protein context (NP_940978.2, residues 829-849): GFWNFRGIVT[Asp839Asn]GRSGCTPCSC